The following is an entry in ClinVar:

ClinVar aggregate classification (germline): Uncertain significance. Review status: criteria provided, multiple submitters, no conflicts (2 of 4 stars). 3 submissions from 3 submitters: Uncertain significance (3). Last evaluated 2025-04-21.

Conditions:
Cardiovascular phenotype. Identifiers: MedGen CN230736.
Duchenne muscular dystrophy (DMD). Also called: MUSCULAR DYSTROPHY, PSEUDOHYPERTROPHIC PROGRESSIVE, DUCHENNE TYPE; Duchenne Muscular Dystrophy (DMD). Identifiers: Orphanet 98896, MedGen C0013264, MONDO:0010679, OMIM 310200.

Allele frequency attached by ClinVar (database versions not stated): gnomAD exomes below 0.00001.
gnomAD v4.1: 2 of 1,208,271 alleles (0.00017%); highest among the groups gnomAD compares: Non-Finnish European, 0.00011%; no homozygotes.

Submissions (4):

Revvity Omics, Revvity
Classification: Uncertain significance. Last evaluated: 2025-04-21. Review status: criteria provided, single submitter. Criteria: ACMG Guidelines, 2015. Collection method: clinical testing. Allele origin: germline.

Ambry Genetics
Classification: Uncertain significance for Cardiovascular phenotype. Last evaluated: 2022-09-07. Review status: criteria provided, single submitter. Criteria: Ambry Variant Classification Scheme 2023. Collection method: clinical testing. Allele origin: germline.
Comment: The p.K1215R variant (also known as c.3644A>G), located in coding exon 27 of the DMD gene, results from an A to G substitution at nucleotide position 3644. The lysine at codon 1215 is replaced by arginine, an amino acid with highly similar properties. This amino acid position is well conserved in available vertebrate species. In addition, this alteration is predicted to be tolerated by in silico analysis. Since supporting evidence is limited at this time, the clinical significance of this alteration remains unclear.

Labcorp Genetics (formerly Invitae), Labcorp
Classification: Uncertain significance for Duchenne muscular dystrophy. Last evaluated: 2021-12-02. Review status: criteria provided, single submitter. Criteria: Invitae Variant Classification Sherloc (09022015). Collection method: clinical testing. Allele origin: germline.
Comment: This sequence change replaces lysine, which is basic and polar, with arginine, which is basic and polar, at codon 1215 of the DMD protein (p.Lys1215Arg). This variant is not present in population databases (gnomAD no frequency). This variant has not been reported in the literature in individuals affected with DMD-related conditions. Algorithms developed to predict the effect of missense changes on protein structure and function (SIFT, PolyPhen-2, Align-GVGD) all suggest that this variant is likely to be tolerated. In summary, the available evidence is currently insufficient to determine the role of this variant in disease. Therefore, it has been classified as a Variant of Uncertain Significance.

Dr. Peter K. Rogan Lab, Western University
No classification provided (evidence only). Condition: Nonpapillary renal cell carcinoma. Review status: no classification provided. Collection method: in vitro. Allele origin: not applicable. Functional consequence: retained intron. Not counted in ClinVar's aggregate classification.

NM_004006.3(DMD):c.3644A>G (p.Lys1215Arg)

Gene: DMD (dystrophin; minus strand). Cytogenetic location: Xp21.1.
Variant type: single nucleotide variant.
Coding change: c.3644A>G on transcript NM_004006.3 (MANE Select); coding-DNA position 3644, A replaced by G.
Protein change: p.Lys1215Arg; replaces lysine 1215 with arginine.
Molecular consequence: missense variant.
Genome position (GRCh38, 1-based): chrX:32,448,598, T>C on the plus strand (A>G on the coding strand, the complement: DMD is on the minus strand). VCF-style: chrX-32448598-T-C. GRCh37 (hg19) VCF-style: chrX-32466715-T-C.
Other names: c.3620A>G, p.Lys1207Arg (NM_000109.4); c.3632A>G, p.Lys1211Arg (NM_004009.3); c.3275A>G, p.Lys1092Arg (NM_004010.3); short protein forms K1092R, K1207R, K1211R, K1215R.
Identifiers: ClinVar variation 1733536 (VCV001733536.8), dbSNP rs2524245807, ClinGen allele CA412662213.